The following is an entry in ClinVar:

NM_000784.4(CYP27A1):c.1055C>T (p.Ser352Leu)

Gene: CYP27A1 (cytochrome P450 family 27 subfamily A member 1; plus strand). Cytogenetic location: 2q35.
Variant type: single nucleotide variant.
Coding change: c.1055C>T on transcript NM_000784.4 (MANE Select); coding-DNA position 1055, C replaced by T.
Protein change: p.Ser352Leu; replaces serine 352 with leucine.
Molecular consequence: missense variant.
Genome position (GRCh38, 1-based): chr2:218,814,058, C>T. VCF-style: chr2-218814058-C-T. GRCh37 (hg19) VCF-style: chr2-219678781-C-T.
Other names: short protein forms S352L.
Identifiers: ClinVar variation 597716 (VCV000597716.12), dbSNP rs780927834, ClinGen allele CA350591519.

ClinVar aggregate classification (germline): Uncertain significance. Review status: criteria provided, multiple submitters, no conflicts (2 of 4 stars). 4 submissions from 4 submitters: Uncertain significance (3). 1 of the submissions does not count toward it. Last evaluated 2024-06-04.

Conditions:
Cardiovascular phenotype. Identifiers: MedGen CN230736.
Cholestanol storage disease (CTX). Also called: Cerebrotendinous Xanthomatosis; CTX: Cerebrotendinous xanthomatosis; CEREBRAL CHOLESTERINOSIS. Identifiers: Orphanet 909, MedGen C0238052, MONDO:0008948, OMIM 213700.

Allele frequency attached by ClinVar (database versions not stated): gnomAD exomes 0.00001; gnomAD 0.00003; TOPMed 0.00009.

Submissions (4):

Ambry Genetics
Classification: Uncertain significance for Cardiovascular phenotype. Last evaluated: 2024-06-04. Review status: criteria provided, single submitter. Criteria: Ambry Variant Classification Scheme 2023. Collection method: clinical testing. Allele origin: germline.

Labcorp Genetics (formerly Invitae), Labcorp
Classification: Uncertain significance for Cholestanol storage disease. Last evaluated: 2022-08-18. Review status: criteria provided, single submitter. Criteria: Invitae Variant Classification Sherloc (09022015). Collection method: clinical testing. Allele origin: germline.
Comment: This sequence change replaces serine, which is neutral and polar, with leucine, which is neutral and non-polar, at codon 352 of the CYP27A1 protein (p.Ser352Leu). This variant is present in population databases (no rsID available, gnomAD 0.006%). This variant has not been reported in the literature in individuals affected with CYP27A1-related conditions. ClinVar contains an entry for this variant (Variation ID: 597716). Advanced modeling of protein sequence and biophysical properties (such as structural, functional, and spatial information, amino acid conservation, physicochemical variation, residue mobility, and thermodynamic stability) performed at Invitae indicates that this missense variant is not expected to disrupt CYP27A1 protein function. Algorithms developed to predict the effect of sequence changes on RNA splicing suggest that this variant may create or strengthen a splice site. In summary, the available evidence is currently insufficient to determine the role of this variant in disease. Therefore, it has been classified as a Variant of Uncertain Significance.

Eurofins Ntd Llc (ga)
Classification: Uncertain significance. Last evaluated: 2018-06-26. Review status: criteria provided, single submitter. Criteria: EGL ClinVar v180209 classification definitions. Collection method: clinical testing. Allele origin: germline. Observed: 1 variant allele, 1 heterozygote.

Natera, Inc.
Classification: Uncertain significance for Cerebrotendinous xanthomatosis. Last evaluated: 2020-07-28. Review status: no assertion criteria provided. Collection method: clinical testing. Allele origin: germline. Not counted in ClinVar's aggregate classification.